The following is an entry in ClinVar:

ClinVar aggregate classification (germline): Uncertain significance (1 of 4 stars; one submission).

Conditions:
Bardet-Biedl syndrome 14 (BBS14). Identifiers: Orphanet 110, MedGen C2673874, MONDO:0014442, OMIM 615991.
Nephronophthisis 11 (NPHP11). Identifiers: Orphanet 84081, MedGen C3150796, MONDO:0013302, OMIM 613550.
COACH syndrome 1. Identifiers: Orphanet 1454, MedGen C5435651, MONDO:0800103, OMIM 216360, MONDO:0008996.
Meckel syndrome, type 3 (MKS3). Also called: MECKEL-GRUBER SYNDROME, TYPE 3. Identifiers: Orphanet 564, MedGen C1846357, MONDO:0011821, OMIM 607361.
Joubert syndrome 6 (JBTS6). Identifiers: Orphanet 475, MedGen C1853153, MONDO:0012539, OMIM 610688.
RHYNS syndrome. Also called: RETINITIS PIGMENTOSA SYNDROME; RETINITIS PIGMENTOSA, HYPOPITUITARISM, NEPHRONOPHTHISIS, AND MILD SKELETAL DYSPLASIA. Identifiers: Orphanet 140976, MedGen C1865794, MONDO:0011202, OMIM 602152.

gnomAD v4.1: 1 of 1,612,474 alleles (0.000062%); highest among the groups gnomAD compares: Non-Finnish European, 0.000085%; no homozygotes.

Submission:

Juno Genomics, Hangzhou Juno Genomics, Inc
Classification: Uncertain significance for RHYNS syndrome; Bardet-Biedl syndrome 14; COACH syndrome 1; Joubert syndrome 6; Meckel syndrome, type 3; Nephronophthisis 11. Review status: criteria provided, single submitter. Criteria: ACMG Guidelines, 2015. Collection method: clinical testing. Allele origin: germline.
Comment: Absent from controls (or at extremely low frequency if recessive) in Genome Aggregation Database.

NM_153704.6(TMEM67):c.2515A>G (p.Met839Val)

Gene: TMEM67 (transmembrane protein 67; plus strand). Cytogenetic location: 8q22.1.
Variant type: single nucleotide variant.
Coding change: c.2515A>G on transcript NM_153704.6 (MANE Select); coding-DNA position 2515, A replaced by G.
Protein change: p.Met839Val; replaces methionine 839 with valine.
Molecular consequence: missense variant. On other transcripts: non-coding transcript variant (1).
Genome position (GRCh38, 1-based): chr8:93,808,915, A>G. VCF-style: chr8-93808915-A-G. GRCh37 (hg19) VCF-style: chr8-94821143-A-G.
Other names: c.2272A>G, p.Met758Val (NM_001142301.1); short protein forms M839V, M758V.
Identifiers: ClinVar variation 5007352 (VCV005007352.2).